The following is an entry in ClinVar:

ClinVar aggregate classification (germline): Uncertain significance. Review status: criteria provided, multiple submitters, no conflicts (2 of 4 stars). 5 submissions from 5 submitters: Uncertain significance (5). Last evaluated 2026-02-16.

Conditions:
Hypertrophic cardiomyopathy 1 (CMH1). Also called: MYH7-Related Familial Hypertrophic Cardiomyopathy; Familial hypertrophic cardiomyopathy 1. Identifiers: MedGen C3495498, MONDO:0008647, OMIM 192600.
Hypertrophic cardiomyopathy 14. Identifiers: MedGen C2750467, MONDO:0013197, OMIM 613251.
Atrial septal defect 3 (ASD3). Identifiers: Orphanet 1478, MedGen C3279790, MONDO:0013567, OMIM 614089.
Sick sinus syndrome 3, susceptibility to (SSS3). Identifiers: Orphanet 166282, MedGen C3279791, MONDO:0013568, OMIM 614090.
Dilated cardiomyopathy 1EE (CMD1EE). Identifiers: Orphanet 154, MedGen C2750466, MONDO:0013198, OMIM 613252.
Cardiovascular phenotype. Identifiers: MedGen CN230736.

Allele frequency attached by ClinVar (database versions not stated): ExAC 0.00002; gnomAD exomes 0.00002; gnomAD 0.00005 and 0.00006; TOPMed 0.00007.
gnomAD v4.1: 44 of 1,614,070 alleles (0.0027%); highest among the groups gnomAD compares: African/African-American, 0.0067%; no homozygotes.

Submissions (5):

Women's Health and Genetics/Laboratory Corporation of America, LabCorp
Classification: Uncertain significance. Last evaluated: 2026-02-16. Review status: criteria provided, single submitter. Criteria: LabCorp Variant Classification Summary - May 2015. Collection method: clinical testing. Allele origin: germline.
Comment: Variant summary: MYH6 c.5102G>A (p.Arg1701Gln) results in a conservative amino acid change in the encoded protein sequence. Algorithms developed to predict the effect of missense changes on protein structure and function are either unavailable or do not agree on the potential impact of this missense change. The variant allele was found at a frequency of 1.6e-05 in 251002 control chromosomes. The available data on variant occurrences in the general population are insufficient to allow any conclusion about variant significance. To our knowledge, no occurrence of c.5102G>A in individuals affected with MYH6-related conditions and no experimental evidence demonstrating its impact on protein function have been reported. ClinVar contains an entry for this variant (Variation ID: 537951). Based on the evidence outlined above, the variant was classified as uncertain significance.

Labcorp Genetics (formerly Invitae), Labcorp
Classification: Uncertain significance for Hypertrophic cardiomyopathy 14. Last evaluated: 2025-05-04. Review status: criteria provided, single submitter. Criteria: Invitae Variant Classification Sherloc (09022015). Collection method: clinical testing. Allele origin: germline.
Comment: This sequence change replaces arginine, which is basic and polar, with glutamine, which is neutral and polar, at codon 1701 of the MYH6 protein (p.Arg1701Gln). This variant is present in population databases (rs762103586, gnomAD 0.008%). This variant has not been reported in the literature in individuals affected with MYH6-related conditions. ClinVar contains an entry for this variant (Variation ID: 537951). Invitae Evidence Modeling of protein sequence and biophysical properties (such as structural, functional, and spatial information, amino acid conservation, physicochemical variation, residue mobility, and thermodynamic stability) indicates that this missense variant is expected to disrupt MYH6 protein function with a positive predictive value of 80%. In summary, the available evidence is currently insufficient to determine the role of this variant in disease. Therefore, it has been classified as a Variant of Uncertain Significance.

Ambry Genetics
Classification: Uncertain significance for Cardiovascular phenotype. Last evaluated: 2024-04-01. Review status: criteria provided, single submitter. Criteria: Ambry Variant Classification Scheme 2023. Collection method: clinical testing. Allele origin: germline.
Comment: The p.R1701Q variant (also known as c.5102G>A), located in coding exon 32 of the MYH6 gene, results from a G to A substitution at nucleotide position 5102. The arginine at codon 1701 is replaced by glutamine, an amino acid with highly similar properties. This amino acid position is highly conserved in available vertebrate species. In addition, this alteration is predicted to be deleterious by in silico analysis. This alteration has been reported in a subject with hypertrophic cardiomyopathy (HCM) who also had a variant in another cardiac-related gene (van Lint FHM et al. Neth Heart J, 2019 Jun;27:304-309). Since supporting evidence is limited at this time, the clinical significance of this alteration remains unclear.

Fulgent Genetics
Classification: Uncertain significance for Hypertrophic cardiomyopathy 1; Hypertrophic cardiomyopathy 14; Dilated cardiomyopathy 1EE; Atrial septal defect 3; Sick sinus syndrome 3, susceptibility to. Last evaluated: 2021-09-14. Review status: criteria provided, single submitter. Criteria: ACMG Guidelines, 2015. Collection method: clinical testing. Allele origin: unknown.

GeneDx
Classification: Uncertain significance. Last evaluated: 2019-07-25. Review status: criteria provided, single submitter. Criteria: GeneDx Variant Classification Process June 2021. Collection method: clinical testing. Allele origin: germline. Affected: yes.
Comment: Has not been previously published as pathogenic or benign to our knowledge; In silico analysis, which includes protein predictors and evolutionary conservation, supports a deleterious effect

Literature cited by the submitters: PubMed 30847666 (cited by Ambry Genetics).

NM_002471.4(MYH6):c.5102G>A (p.Arg1701Gln)

Genes: MYH6 (myosin heavy chain 6; minus strand), LOC126861896 (BRD4-independent group 4 enhancer GRCh37_chr14:23854904-23856103; plus strand). Cytogenetic location: 14q11.2.
Variant type: single nucleotide variant.
Coding change: c.5102G>A on transcript NM_002471.4 (MANE Select); coding-DNA position 5102, G replaced by A.
Protein change: p.Arg1701Gln; replaces arginine 1701 with glutamine.
Molecular consequence: missense variant.
Genome position (GRCh38, 1-based): chr14:23,385,989, C>T on the plus strand (G>A on the coding strand, the complement: MYH6 is on the minus strand). VCF-style: chr14-23385989-C-T. GRCh37 (hg19) VCF-style: chr14-23855198-C-T.
Other names: short protein forms R1701Q.
Identifiers: ClinVar variation 537951 (VCV000537951.15), dbSNP rs762103586, ClinGen allele CA7114545.